The following is an entry in ClinVar:

NM_004655.4(AXIN2):c.623C>G (p.Ala208Gly)

Gene: AXIN2 (axin 2; minus strand). Cytogenetic location: 17q24.1.
Variant type: single nucleotide variant.
Coding change: c.623C>G on transcript NM_004655.4 (MANE Select); coding-DNA position 623, C replaced by G.
Protein change: p.Ala208Gly; replaces alanine 208 with glycine.
Molecular consequence: missense variant.
Genome position (GRCh38, 1-based): chr17:65,557,998, G>C on the plus strand (C>G on the coding strand, the complement: AXIN2 is on the minus strand). VCF-style: chr17-65557998-G-C. GRCh37 (hg19) VCF-style: chr17-63554116-G-C.
Other names: c.623C>G, p.Ala208Gly (NM_001363813.1); short protein forms A208G.
Identifiers: ClinVar variation 4843054 (VCV004843054.1).

ClinVar aggregate classification (germline): Uncertain significance (1 of 4 stars; one submission).

Conditions:
Hereditary cancer-predisposing syndrome. Also called: Neoplastic Syndromes, Hereditary; Tumor predisposition; Hereditary Cancer Syndrome; Hereditary neoplastic syndrome. Identifiers: Orphanet 140162, MedGen C0027672, MeSH D009386, MONDO:0015356.

gnomAD v4.1: 1 of 1,614,160 alleles (0.000062%); highest among the groups gnomAD compares: Non-Finnish European, 0.000085%; no homozygotes.

Submission:

Ambry Genetics
Classification: Uncertain significance for Hereditary cancer-predisposing syndrome. Last evaluated: 2025-12-30. Review status: criteria provided, single submitter. Criteria: Ambry Variant Classification Scheme 2023. Collection method: clinical testing. Allele origin: germline.
Comment: The p.A208G variant (also known as c.623C>G), located in coding exon 1 of the AXIN2 gene, results from a C to G substitution at nucleotide position 623. The alanine at codon 208 is replaced by glycine, an amino acid with similar properties. This amino acid position is well conserved in available vertebrate species. In addition, this alteration is predicted to be tolerated by in silico analysis. Based on the available evidence, the clinical significance of this variant remains unclear.